The following is an entry in ClinVar:

NM_004461.3(FARSA):c.576G>C (p.Leu192=)

Gene: FARSA (phenylalanyl-tRNA synthetase subunit alpha; minus strand). Cytogenetic location: 19p13.13.
Variant type: single nucleotide variant.
Coding change: c.576G>C on transcript NM_004461.3 (MANE Select); coding-DNA position 576, G replaced by C.
Protein change: p.Leu192=; no amino-acid change (leucine 192 retained).
Molecular consequence: synonymous variant.
Genome position (GRCh38, 1-based): chr19:12,928,775, C>G on the plus strand (G>C on the coding strand, the complement: FARSA is on the minus strand). VCF-style: chr19-12928775-C-G. GRCh37 (hg19) VCF-style: chr19-13039589-C-G.
Identifiers: ClinVar variation 4085494 (VCV004085494.8).

ClinVar aggregate classification (germline): Likely benign (1 of 4 stars; one submission).

gnomAD v4.1: 30 of 1,614,002 alleles (0.0019%); highest among the groups gnomAD compares: South Asian, 0.027%; no homozygotes.

Submission:

CeGaT Center for Human Genetics Tuebingen
Classification: Likely benign. Last evaluated: 2025-07-01. Review status: criteria provided, single submitter. Criteria: CeGaT Center For Human Genetics Tuebingen Variant Classification Criteria Version 2. Collection method: clinical testing. Allele origin: germline. Affected: yes. Observed: 1 variant allele.
Comment: FARSA: BP4, BP7